The following is an entry in ClinVar:

ClinVar aggregate classification (germline): Uncertain significance (1 of 4 stars; one submission).

Conditions:
Inborn genetic diseases. Identifiers: MedGen C0950123, MeSH D030342.

Submission:

Ambry Genetics
Classification: Uncertain significance for Inborn genetic diseases. Last evaluated: 2025-10-06. Review status: criteria provided, single submitter. Criteria: Ambry Variant Classification Scheme 2023. Collection method: clinical testing. Allele origin: germline.
Comment: The p.Q1039H variant (also known as c.3117A>C), located in coding exon 13 of the ASXL1 gene, results from an A to C substitution at nucleotide position 3117. The glutamine at codon 1039 is replaced by histidine, an amino acid with highly similar properties. This amino acid position is conserved. In addition, this alteration is predicted to be tolerated by in silico analysis. Based on the available evidence, the clinical significance of this variant remains unclear.

NM_015338.6(ASXL1):c.3117A>C (p.Gln1039His)

Gene: ASXL1 (ASXL transcriptional regulator 1; plus strand). Cytogenetic location: 20q11.21.
Variant type: single nucleotide variant.
Coding change: c.3117A>C on transcript NM_015338.6 (MANE Select); coding-DNA position 3117, A replaced by C.
Protein change: p.Gln1039His; replaces glutamine 1039 with histidine.
Molecular consequence: missense variant.
Genome position (GRCh38, 1-based): chr20:32,435,829, A>C. VCF-style: chr20-32435829-A-C. GRCh37 (hg19) VCF-style: chr20-31023632-A-C.
Other names: c.2934A>C, p.Gln978His (NM_001363734.1); short protein forms Q1039H, Q978H.
Identifiers: ClinVar variation 4587656 (VCV004587656.1).